The following is an entry in ClinVar:

ClinVar aggregate classification (germline): Uncertain significance (1 of 4 stars; one submission).

Submission:

Labcorp Genetics (formerly Invitae), Labcorp
Classification: Uncertain significance. Last evaluated: 2022-05-25. Review status: criteria provided, single submitter. Criteria: Invitae Variant Classification Sherloc (09022015). Collection method: clinical testing. Allele origin: germline.
Comment: In summary, the available evidence is currently insufficient to determine the role of this variant in disease. Therefore, it has been classified as a Variant of Uncertain Significance. Advanced modeling of protein sequence and biophysical properties (such as structural, functional, and spatial information, amino acid conservation, physicochemical variation, residue mobility, and thermodynamic stability) performed at Invitae indicates that this missense variant is expected to disrupt MYO7A protein function. This variant has not been reported in the literature in individuals affected with MYO7A-related conditions. This variant is not present in population databases (gnomAD no frequency). This sequence change replaces leucine, which is neutral and non-polar, with glutamine, which is neutral and polar, at codon 1272 of the MYO7A protein (p.Leu1272Gln).

NM_000260.4(MYO7A):c.3815T>A (p.Leu1272Gln)

Gene: MYO7A (myosin VIIA; plus strand). Cytogenetic location: 11q13.5.
Variant type: single nucleotide variant.
Coding change: c.3815T>A on transcript NM_000260.4 (MANE Select); coding-DNA position 3815, T replaced by A.
Protein change: p.Leu1272Gln; replaces leucine 1272 with glutamine.
Molecular consequence: missense variant.
Genome position (GRCh38, 1-based): chr11:77,190,761, T>A. VCF-style: chr11-77190761-T-A. GRCh37 (hg19) VCF-style: chr11-76901806-T-A.
Other names: c.3815T>A, p.Leu1272Gln (NM_001127180.2); c.3782T>A, p.Leu1261Gln (NM_001369365.1); short protein forms L1261Q, L1272Q.
Identifiers: ClinVar variation 1998421 (VCV001998421.4), dbSNP rs2497377520, ClinGen allele CA381947573.